The following is an entry in ClinVar:

NM_182961.4(SYNE1):c.15907C>A (p.Arg5303=)

Gene: SYNE1 (spectrin repeat containing nuclear envelope protein 1; minus strand). Cytogenetic location: 6q25.2.
Variant type: single nucleotide variant.
Coding change: c.15907C>A on transcript NM_182961.4 (MANE Select); coding-DNA position 15907, C replaced by A.
Protein change: p.Arg5303=; no amino-acid change (arginine 5303 retained).
Molecular consequence: synonymous variant.
Genome position (GRCh38, 1-based): chr6:152,323,488, G>T on the plus strand (C>A on the coding strand, the complement: SYNE1 is on the minus strand). VCF-style: chr6-152323488-G-T. GRCh37 (hg19) VCF-style: chr6-152644623-G-T.
Other names: c.15694C>A, p.Arg5232= (NM_033071.5).
Identifiers: ClinVar variation 858611 (VCV000858611.9), dbSNP rs149215868, ClinGen allele CA452762560.

ClinVar aggregate classification (germline): Uncertain significance (1 of 4 stars; one submission).

Conditions:
Emery-Dreifuss muscular dystrophy 4, autosomal dominant (EDMD4). Also called: EMERY-DREIFUSS MUSCULAR DYSTROPHY 4 WITH VARIABLE FEATURES. Identifiers: Orphanet 261, MedGen C2751807, MONDO:0013071, OMIM 612998.
Autosomal recessive ataxia, Beauce type. Also called: ATAXIA, RECESSIVE, OF BEAUCE; SYNE1 Deficiency; Spinocerebellar ataxia, autosomal recessive 8; SYNE1-Related Autosomal Recessive Cerebellar Ataxia. Identifiers: Orphanet 88644, MedGen C1853116, MONDO:0012549, OMIM 610743.

gnomAD v4.1: 1 of 1,613,780 alleles (0.000062%); highest among the groups gnomAD compares: Non-Finnish European, 0.000085%; no homozygotes.

Submission:

Labcorp Genetics (formerly Invitae), Labcorp
Classification: Uncertain significance for Emery-Dreifuss muscular dystrophy 4, autosomal dominant; Autosomal recessive ataxia, Beauce type. Last evaluated: 2025-04-07. Review status: criteria provided, single submitter. Criteria: Invitae Variant Classification Sherloc (09022015). Collection method: clinical testing. Allele origin: germline.
Comment: This sequence change affects codon 5232 of the SYNE1 mRNA. It is a 'silent' change, meaning that it does not change the encoded amino acid sequence of the SYNE1 protein. This variant is not present in population databases (gnomAD no frequency). This variant has not been reported in the literature in individuals affected with SYNE1-related conditions. ClinVar contains an entry for this variant (Variation ID: 858611). Algorithms developed to predict the effect of sequence changes on RNA splicing suggest that this variant may disrupt the consensus splice site. In summary, the available evidence is currently insufficient to determine the role of this variant in disease. Therefore, it has been classified as a Variant of Uncertain Significance.